The following is an entry in ClinVar:

NM_001172509.2(SATB2):c.1190T>G (p.Ile397Ser)

Gene: SATB2 (SATB homeobox 2; minus strand). Cytogenetic location: 2q33.1.
Variant type: single nucleotide variant.
Coding change: c.1190T>G on transcript NM_001172509.2 (MANE Select); coding-DNA position 1190, T replaced by G.
Protein change: p.Ile397Ser; replaces isoleucine 397 with serine.
Molecular consequence: missense variant.
Genome position (GRCh38, 1-based): chr2:199,328,894, A>C on the plus strand (T>G on the coding strand, the complement: SATB2 is on the minus strand). VCF-style: chr2-199328894-A-C. GRCh37 (hg19) VCF-style: chr2-200193617-A-C.
Other names: c.1190T>G, p.Ile397Ser (NM_001172517.1, NM_015265.4); short protein forms I397S.
Identifiers: ClinVar variation 4852192 (VCV004852192.1).

ClinVar aggregate classification (germline): Likely pathogenic (1 of 4 stars; one submission).

Conditions:
Chromosome 2q32-q33 deletion syndrome (GLASS). Also called: Glass syndrome; 2q33.1 deletion syndrome. Identifiers: Orphanet 251019, MedGen C2676739, MONDO:0012864, OMIM 612313.

Submission:

Variantyx, Inc.
Classification: Likely pathogenic for Chromosome 2q32-q33 deletion syndrome. Last evaluated: 2025-05-11. Review status: criteria provided, single submitter. Criteria: Variantyx Assertion Criteria 2022. Collection method: clinical testing. Allele origin: de novo. Inheritance: Autosomal dominant inheritance. Affected: yes.
Comment: This is a nonsynonymous variant in the SATB2 gene (OMIM: 608148). Pathogenic variants in this gene have been associated with autosomal dominant Glass syndrome. The clinical symptoms reported for this individual are highly specific for autosomal dominant Glass syndrome, which has a limited genetic etiology (PMID: 29023086) (PP4). Computational algorithms produce conflicting evidence regarding the predicted functional impact of this variant (REVEL score: 0.625). However, the alteration lies within a known hotspot for pathogenic variants or a well-established critical functional domain of the SATB2 protein (PMID:28151491) (PM1). This variant is absent from control populations (PM2), and it has not been reported in individuals with SATB2-related disorders in the databases available for review. Based on the current evidence, this variant is classified as likely pathogenic for autosomal dominant Glass syndrome.

Literature cited by the submitters: PubMed 29023086; PubMed 28151491.